The following is an entry in ClinVar:

NM_024570.4(RNASEH2B):c.617A>C (p.Glu206Ala)

Gene: RNASEH2B (ribonuclease H2 subunit B; plus strand). Cytogenetic location: 13q14.3.
Variant type: single nucleotide variant.
Coding change: c.617A>C on transcript NM_024570.4 (MANE Select); coding-DNA position 617, A replaced by C.
Protein change: p.Glu206Ala; replaces glutamic acid 206 with alanine.
Molecular consequence: missense variant.
Genome position (GRCh38, 1-based): chr13:50,947,987, A>C. VCF-style: chr13-50947987-A-C. GRCh37 (hg19) VCF-style: chr13-51522123-A-C.
Other names: c.617A>C, p.Glu206Ala (NM_001142279.2); short protein forms E206A.
Identifiers: ClinVar variation 1406265 (VCV001406265.3), dbSNP rs371740577, ClinGen allele CA249998458.
Genomic context (GRCh38, chr13:50,947,987, plus strand): 5'-AAAACCACCATAATTACTATTTTTTTTTTTTGCTTTCACTCCTCCTTCTGTTTCTTTCAG[A>C]GGATTATATTCGTTATGCCCATGGTCTGATATCTGACTACATCCCTAAAGAATTAAGTGA-3'
Protein context (NP_078846.2, residues 196-216): SGDQASTDKE[Glu206Ala]DYIRYAHGLI

ClinVar aggregate classification (germline): Uncertain significance (1 of 4 stars; one submission).

Conditions:
Aicardi-Goutieres syndrome 2. Identifiers: Orphanet 51, MedGen C3489724, MONDO:0012429, OMIM 610181.

Allele frequency attached by ClinVar (database versions not stated): gnomAD 0.00001 and 0.00002; TOPMed 0.00001; ESP Exome Variant Server 0.00008.
gnomAD v4.1: 3 of 1,609,268 alleles (0.00019%); highest among the groups gnomAD compares: African/African-American, 0.0027%; no homozygotes.

Submission:

Labcorp Genetics (formerly Invitae), Labcorp
Classification: Uncertain significance for Aicardi-Goutieres syndrome 2. Last evaluated: 2022-07-06. Review status: criteria provided, single submitter. Criteria: Invitae Variant Classification Sherloc (09022015). Collection method: clinical testing. Allele origin: germline.
Comment: This sequence change replaces glutamic acid, which is acidic and polar, with alanine, which is neutral and non-polar, at codon 206 of the RNASEH2B protein (p.Glu206Ala). This variant is not present in population databases (gnomAD no frequency). This variant has not been reported in the literature in individuals affected with RNASEH2B-related conditions. ClinVar contains an entry for this variant (Variation ID: 1406265). Algorithms developed to predict the effect of missense changes on protein structure and function are either unavailable or do not agree on the potential impact of this missense change (SIFT: "Tolerated"; PolyPhen-2: "Probably Damaging"; Align-GVGD: "Class C0"). In summary, the available evidence is currently insufficient to determine the role of this variant in disease. Therefore, it has been classified as a Variant of Uncertain Significance.